The following is an entry in ClinVar:

ClinVar aggregate classification (germline): Benign/Likely benign. Review status: criteria provided, multiple submitters, no conflicts (2 of 4 stars). 9 submissions from 9 submitters: Benign (5); Likely benign (4). Last evaluated 2026-01-12.

Conditions:
Marfan syndrome (MFS). Also called: FBN1-Related Marfan Syndrome; Marfan syndrome, classic; MARFAN SYNDROME, TYPE I; Marfan syndrome type 1; Marfan's syndrome. Identifiers: Orphanet 284963, Orphanet 558, MedGen C0024796, MONDO:0007947, OMIM 154700.
Familial thoracic aortic aneurysm and aortic dissection (TAAD). Also called: Thoracic aortic aneurysms and dissections. Identifiers: Orphanet 91387, MedGen C4707243, MONDO:0019625.

Allele frequency attached by ClinVar (database versions not stated): gnomAD 0.00104 and 0.00113; TOPMed 0.00117; 1000 Genomes Project 30x 0.00109; gnomAD exomes 0.00025 and 0.00007; ESP Exome Variant Server 0.00092; ExAC 0.00030; 1000 Genomes Project 0.00100.
gnomAD v4.1: 279 of 1,614,226 alleles (0.017%); highest among the groups gnomAD compares: African/African-American, 0.33%; 1 homozygote.

Submissions (9):

Labcorp Genetics (formerly Invitae), Labcorp
Classification: Benign for Marfan syndrome; Familial thoracic aortic aneurysm and aortic dissection. Last evaluated: 2026-01-12. Review status: criteria provided, single submitter. Criteria: Invitae Variant Classification Sherloc (09022015). Collection method: clinical testing. Allele origin: germline.

ARUP Laboratories, Molecular Genetics and Genomics, ARUP Laboratories
Classification: Benign. Last evaluated: 2025-03-27. Review status: criteria provided, single submitter. Criteria: ARUP Molecular Germline Variant Investigation Process 2024. Collection method: clinical testing. Allele origin: germline.

Blueprint Genetics
Classification: Likely benign. Last evaluated: 2024-10-02. Review status: criteria provided, single submitter. Criteria: ACMG Guidelines, 2015. Collection method: clinical testing. Allele origin: germline.

All of Us Research Program, National Institutes of Health
Classification: Benign for Marfan syndrome. Last evaluated: 2024-02-05. Review status: criteria provided, single submitter. Criteria: ACMG Guidelines, 2015. Collection method: clinical testing. Allele origin: germline. Inheritance: Autosomal dominant inheritance. Observed: 58 variant alleles, 58 heterozygotes.
Comment: This study involves interpretation of variants in research participants for the purpose of population health screening. Participant phenotype was not available at the time of variant classification. Additional details can be found in publication PMID: 35346344, PMCID: PMC8962531

Color Diagnostics, LLC DBA Color Health
Classification: Benign for Familial thoracic aortic aneurysm and aortic dissection. Last evaluated: 2018-12-10. Review status: criteria provided, single submitter. Criteria: ACMG Guidelines, 2015. Collection method: clinical testing. Allele origin: germline.

Ambry Genetics
Classification: Likely benign for Familial thoracic aortic aneurysm and aortic dissection. Last evaluated: 2016-06-22. Review status: criteria provided, single submitter. Criteria: Ambry Variant Classification Scheme 2023. Collection method: clinical testing. Allele origin: germline.

Eurofins Ntd Llc (ga)
Classification: Likely benign. Last evaluated: 2015-09-25. Review status: criteria provided, single submitter. Criteria: EGL Classification Definitions 2015. Collection method: clinical testing. Allele origin: germline. Observed: 2 variant alleles, 2 heterozygotes.

GeneDx
Classification: Benign. Last evaluated: 2014-06-23. Review status: criteria provided, single submitter. Criteria: GeneDx Variant Classification (06012015). Collection method: clinical testing. Allele origin: germline. Affected: yes.
Comment: This variant is considered likely benign or benign based on one or more of the following criteria: it is a conservative change, it occurs at a poorly conserved position in the protein, it is predicted to be benign by multiple in silico algorithms, and/or has population frequency not consistent with disease.

Laboratory for Molecular Medicine, Mass General Brigham Personalized Medicine
Classification: Likely benign. Last evaluated: 2012-03-13. Review status: criteria provided, single submitter. Criteria: LMM Criteria. Collection method: clinical testing. Allele origin: germline. Observed: 2 variant alleles.
Comment: Asn2650Asn in exon 63 of FBN1: This variant is not expected to have clinical sig nificance because it does not alter an amino acid residue, is not located within the splice consensus sequence, and has been identified in 0.24% (9/3738) Africa n American chromosomes from a broad population by the NHLBI Exome Sequencing Pro ject (dbSNP rs143055643).

NM_000138.5(FBN1):c.7950T>C (p.Asn2650=)

Gene: FBN1 (fibrillin 1; minus strand). Cytogenetic location: 15q21.1.
Variant type: single nucleotide variant.
Coding change: c.7950T>C on transcript NM_000138.5 (MANE Select); coding-DNA position 7950, T replaced by C.
Protein change: p.Asn2650=; no amino-acid change (asparagine 2650 retained).
Molecular consequence: synonymous variant.
Genome position (GRCh38, 1-based): chr15:48,415,637, A>G on the plus strand (T>C on the coding strand, the complement: FBN1 is on the minus strand). VCF-style: chr15-48415637-A-G. GRCh37 (hg19) VCF-style: chr15-48707834-A-G.
Other names: p.N2650N:AAT>AAC.
Identifiers: ClinVar variation 42437 (VCV000042437.28), dbSNP rs143055643, ClinGen allele CA017470.
Genomic context (GRCh38, chr15:48,415,637, plus strand): 5'-GTAACCGCCCTCGGTATTGGAACAGCCATAGCTGCAGGGGGCCTGCGCAGAGCCACATTC[A>G]TTGATGTCTTGGCATCCTCCACTGAACTGTTCATACTGGAAGCCGGCGGGACACATGCAC-3'
Protein context (NP_000129.3, residues 2640-2660): EQFSGGCQDI[Asn2650=]ECGSAQAPCS